The following is an entry in ClinVar:

NM_015164.4(PLEKHM2):c.1104G>A (p.Met368Ile)

Gene: PLEKHM2 (pleckstrin homology and RUN domain containing M2; plus strand). Cytogenetic location: 1p36.21.
Variant type: single nucleotide variant.
Coding change: c.1104G>A on transcript NM_015164.4 (MANE Select); coding-DNA position 1104, G replaced by A.
Protein change: p.Met368Ile; replaces methionine 368 with isoleucine.
Molecular consequence: missense variant.
Genome position (GRCh38, 1-based): chr1:15,727,176, G>A. VCF-style: chr1-15727176-G-A. GRCh37 (hg19) VCF-style: chr1-16053671-G-A.
Other names: c.1044G>A, p.Met348Ile (NM_001410755.1); short protein forms M368I, M348I.
Identifiers: ClinVar variation 2050673 (VCV002050673.4), dbSNP rs527293094, ClinGen allele CA616857.

ClinVar aggregate classification (germline): Uncertain significance (1 of 4 stars; one submission).

Allele frequency attached by ClinVar (database versions not stated): gnomAD exomes 0.00001; ExAC 0.00004; TOPMed 0.00008; gnomAD 0.00009; 1000 Genomes Project 30x 0.00016; 1000 Genomes Project 0.00020.

Submission:

Labcorp Genetics (formerly Invitae), Labcorp
Classification: Uncertain significance. Last evaluated: 2025-11-03. Review status: criteria provided, single submitter. Criteria: Invitae Variant Classification Sherloc (09022015). Collection method: clinical testing. Allele origin: germline.
Comment: This sequence change replaces methionine, which is neutral and non-polar, with isoleucine, which is neutral and non-polar, at codon 368 of the PLEKHM2 protein (p.Met368Ile). This variant is present in population databases (rs527293094, gnomAD 0.03%). This variant has not been reported in the literature in individuals affected with PLEKHM2-related conditions. ClinVar contains an entry for this variant (Variation ID: 2050673). An algorithm developed to predict the effect of missense changes on protein structure and function (PolyPhen-2) suggests that this variant is likely to be tolerated. In summary, the available evidence is currently insufficient to determine the role of this variant in disease. Therefore, it has been classified as a Variant of Uncertain Significance.